The following is an entry in ClinVar:

NM_001321075.3(DLG4):c.990C>T (p.Gly330=)

Genes: DLG4 (discs large MAGUK scaffold protein 4; minus strand), LOC126862479 (MED14-independent group 3 enhancer GRCh37_chr17:7099412-7100611; plus strand). Cytogenetic location: 17p13.1.
Variant type: single nucleotide variant.
Coding change: c.990C>T on transcript NM_001321075.3 (MANE Select); coding-DNA position 990, C replaced by T.
Protein change: p.Gly330=; no amino-acid change (glycine 330 retained).
Molecular consequence: synonymous variant. On other transcripts: non-coding transcript variant (1).
Genome position (GRCh38, 1-based): chr17:7,196,850, G>A on the plus strand (C>T on the coding strand, the complement: DLG4 is on the minus strand). VCF-style: chr17-7196850-G-A. GRCh37 (hg19) VCF-style: chr17-7100169-G-A.
Other names: c.810C>T, p.Gly270= (NM_001321076.3, NM_001321077.3); c.1119C>T, p.Gly373= (NM_001365.5); c.909C>T, p.Gly303= (NM_001369566.3); c.981C>T, p.Gly327= (NM_001128827.4); c.1110C>T, p.Gly370= (NM_001321074.1); c.1119C>T (NM_001365.3).
Identifiers: ClinVar variation 870938 (VCV000870938.47), dbSNP rs769940216, ClinGen allele CA497693368.

ClinVar aggregate classification (germline): Conflicting classifications of pathogenicity. Review status: criteria provided, conflicting classifications (1 of 4 stars). 5 submissions from 5 submitters: Pathogenic (3); Uncertain significance (2). Last evaluated 2024-08-30.

Conditions:
Intellectual developmental disorder 62. Also called: INTELLECTUAL DEVELOPMENTAL DISORDER, AUTOSOMAL DOMINANT 62; MENTAL RETARDATION, AUTOSOMAL DOMINANT 62. Identifiers: MedGen C5394083, MONDO:0032919, OMIM 618793.

Submissions (5):

GeneDx
Classification: Pathogenic. Last evaluated: 2024-08-30. Review status: criteria provided, single submitter. Criteria: GeneDx Variant Classification Process June 2021. Collection method: clinical testing. Allele origin: germline. Affected: yes.
Comment: Synonymous variant with RNA studies demonstrating this variant results in a deletion in the RNA transcript (r.1118_1212del) predicted to result in frameshift, p.(Glu373Glnfs*11) (PMID: 33597769); Not observed at significant frequency in large population cohorts (gnomAD); This variant is associated with the following publications: (PMID: 33597769, 27535533, 38135915, 37525972)

Tumer Group, Copenhagen University Hospital, Rigshospitalet
Classification: Pathogenic for Intellectual developmental disorder 62. Last evaluated: 2023-02-28. Review status: criteria provided, single submitter. Criteria: ACMG Guidelines, 2015. Collection method: research. Allele origin: de novo. Affected: yes.

Revvity Omics, Revvity
Classification: Uncertain significance. Last evaluated: 2022-04-14. Review status: criteria provided, single submitter. Criteria: ACMG Guidelines, 2015. Collection method: clinical testing. Allele origin: germline.

Institute of Human Genetics, University of Leipzig Medical Center
Classification: Pathogenic for Intellectual developmental disorder 62. Last evaluated: 2021-12-21. Review status: criteria provided, single submitter. Criteria: ACMG Guidelines, 2015. Collection method: research. Allele origin: de novo. Affected: yes.

CeGaT Center for Human Genetics Tuebingen
Classification: Uncertain significance. Last evaluated: 2020-01-01. Review status: criteria provided, single submitter. Criteria: CeGaT Center For Human Genetics Tuebingen Variant Classification Criteria Version 2. Collection method: clinical testing. Allele origin: germline. Affected: yes. Observed: 1 variant allele.

Literature cited by the submitters: PubMed 33597769 (cited by Institute of Human Genetics, University of Leipzig Medical Center).